The following is an entry in ClinVar:

ClinVar aggregate classification (germline): Uncertain significance (1 of 4 stars; one submission).

Conditions:
Emery-Dreifuss muscular dystrophy 5, autosomal dominant (EDMD5). Also called: EMERY-DREIFUSS MUSCULAR DYSTROPHY 5. Identifiers: Orphanet 261, MedGen C2751805, MONDO:0013072, OMIM 612999.

gnomAD v4.1: 1 of 1,614,250 alleles (0.000062%); highest among the groups gnomAD compares: South Asian, 0.0011%; no homozygotes.

Submission:

Labcorp Genetics (formerly Invitae), Labcorp
Classification: Uncertain significance for Emery-Dreifuss muscular dystrophy 5, autosomal dominant. Last evaluated: 2025-04-27. Review status: criteria provided, single submitter. Criteria: Invitae Variant Classification Sherloc (09022015). Collection method: clinical testing. Allele origin: germline.
Comment: This sequence change replaces tyrosine, which is neutral and polar, with serine, which is neutral and polar, at codon 6145 of the SYNE2 protein (p.Tyr6145Ser). This variant is not present in population databases (gnomAD no frequency). This variant has not been reported in the literature in individuals affected with SYNE2-related conditions. An algorithm developed to predict the effect of missense changes on protein structure and function (PolyPhen-2) suggests that this variant is likely to be disruptive. In summary, the available evidence is currently insufficient to determine the role of this variant in disease. Therefore, it has been classified as a Variant of Uncertain Significance.

NM_182914.3(SYNE2):c.18434A>C (p.Tyr6145Ser)

Gene: SYNE2 (spectrin repeat containing nuclear envelope protein 2; plus strand). Cytogenetic location: 14q23.2.
Variant type: single nucleotide variant.
Coding change: c.18434A>C on transcript NM_182914.3 (MANE Select); coding-DNA position 18434, A replaced by C.
Protein change: p.Tyr6145Ser; replaces tyrosine 6145 with serine.
Molecular consequence: missense variant.
Genome position (GRCh38, 1-based): chr14:64,209,472, A>C. VCF-style: chr14-64209472-A-C. GRCh37 (hg19) VCF-style: chr14-64676190-A-C.
Other names: c.18434A>C, p.Tyr6145Ser (NM_015180.6); short protein forms Y6145S.
Identifiers: ClinVar variation 4761320 (VCV004761320.1).